The following is an entry in ClinVar:

NM_052936.5(ATG4A):c.415G>A (p.Gly139Arg)

Gene: ATG4A (autophagy related 4A cysteine peptidase; plus strand). Cytogenetic location: Xq22.3.
Variant type: single nucleotide variant.
Coding change: c.415G>A on transcript NM_052936.5 (MANE Select); coding-DNA position 415, G replaced by A.
Protein change: p.Gly139Arg; replaces glycine 139 with arginine.
Molecular consequence: missense variant. On other transcripts: 5 prime UTR variant (1), non-coding transcript variant (1).
Genome position (GRCh38, 1-based): chrX:108,134,359, G>A. VCF-style: chrX-108134359-G-A. GRCh37 (hg19) VCF-style: chrX-107377589-G-A.
Other names: c.184G>A, p.Gly62Arg (NM_001321287.2, NM_001321288.2, NM_001321289.2 and 1 more transcripts); c.-106G>A (NM_001321290.2); c.415G>A, p.Gly139Arg (NM_178270.4); short protein forms G62R, G139R.
Identifiers: ClinVar variation 4832074 (VCV004832074.1).
Genomic context (GRCh38, chrX:108,134,359, plus strand): 5'-TCTTTTGCTAACATGTTATTTTTTTCCACATTAAAAACAGCACAAATGGGTGTAGGAGAA[G>A]GGAAATCAATTGGAGAATGGTTTGGACCAAATACAGTTGCACAGGTGTTAAAGTAAGTAA-3'
Protein context (NP_443168.2, residues 129-149): HQMAQMGVGE[Gly139Arg]KSIGEWFGPN

ClinVar aggregate classification (germline): Uncertain significance (1 of 4 stars; one submission).

gnomAD v4.1: 1 of 1,211,054 alleles (0.000083%); highest among the groups gnomAD compares: African/African-American, 0.0017%; no homozygotes.

Submission:

Ambry Genetics
Classification: Uncertain significance. Last evaluated: 2026-01-21. Review status: criteria provided, single submitter. Criteria: Ambry Variant Classification Scheme 2023. Collection method: clinical testing. Allele origin: germline.
Comment: The c.415G>A (p.G139R) alteration is located in exon 6 (coding exon 6) of the ATG4A gene. This alteration results from a G to A substitution at nucleotide position 415, causing the glycine (G) at amino acid position 139 to be replaced by an arginine (R). Based on data from gnomAD, the A allele has an overall frequency of <0.001% (1/182179) total alleles studied. The highest observed frequency was 0.008% (1/13151) of African alleles. Based on insufficient or conflicting evidence, the clinical significance of this alteration remains unclear.